The following is an entry in ClinVar:

ClinVar aggregate classification (germline): Uncertain significance. Review status: criteria provided, multiple submitters, no conflicts (2 of 4 stars). 2 submissions from 2 submitters: Uncertain significance (2). Last evaluated 2025-04-02.

Conditions:
Inborn genetic diseases. Identifiers: MedGen C0950123, MeSH D030342.

Allele frequency attached by ClinVar (database versions not stated): gnomAD 0.00001; TOPMed 0.00002.
gnomAD v4.1: 7 of 1,614,054 alleles (0.00043%); highest among the groups gnomAD compares: Admixed American, 0.0017%; no homozygotes.

Submissions (2):

Ambry Genetics
Classification: Uncertain significance for Inborn genetic diseases. Last evaluated: 2025-04-02. Review status: criteria provided, single submitter. Criteria: Ambry Variant Classification Scheme 2023. Collection method: clinical testing. Allele origin: germline.

Labcorp Genetics (formerly Invitae), Labcorp
Classification: Uncertain significance. Last evaluated: 2023-12-11. Review status: criteria provided, single submitter. Criteria: Invitae Variant Classification Sherloc (09022015). Collection method: clinical testing. Allele origin: germline.
Comment: This sequence change replaces glutamic acid, which is acidic and polar, with glutamine, which is neutral and polar, at codon 2157 of the COL7A1 protein (p.Glu2157Gln). This variant is not present in population databases (gnomAD no frequency). This variant has not been reported in the literature in individuals affected with COL7A1-related conditions. ClinVar contains an entry for this variant (Variation ID: 1924692). Advanced modeling of protein sequence and biophysical properties (such as structural, functional, and spatial information, amino acid conservation, physicochemical variation, residue mobility, and thermodynamic stability) has been performed at Invitae for this missense variant, however the output from this modeling did not meet the statistical confidence thresholds required to predict the impact of this variant on COL7A1 protein function. In summary, the available evidence is currently insufficient to determine the role of this variant in disease. Therefore, it has been classified as a Variant of Uncertain Significance.

NM_000094.4(COL7A1):c.6469G>C (p.Glu2157Gln)

Gene: COL7A1 (collagen type VII alpha 1 chain; minus strand). Cytogenetic location: 3p21.31.
Variant type: single nucleotide variant.
Coding change: c.6469G>C on transcript NM_000094.4 (MANE Select); coding-DNA position 6469, G replaced by C.
Protein change: p.Glu2157Gln; replaces glutamic acid 2157 with glutamine.
Molecular consequence: missense variant.
Genome position (GRCh38, 1-based): chr3:48,574,294, C>G on the plus strand (G>C on the coding strand, the complement: COL7A1 is on the minus strand). VCF-style: chr3-48574294-C-G. GRCh37 (hg19) VCF-style: chr3-48611727-C-G.
Other names: short protein forms E2157Q.
Identifiers: ClinVar variation 1924692 (VCV001924692.5), dbSNP rs1485835618, ClinGen allele CA352657998.